The following is an entry in ClinVar:

NM_030665.4(RAI1):c.3678G>A (p.Ser1226=)

Gene: RAI1 (retinoic acid induced 1; plus strand). Cytogenetic location: 17p11.2.
Variant type: single nucleotide variant.
Coding change: c.3678G>A on transcript NM_030665.4 (MANE Select); coding-DNA position 3678, G replaced by A.
Protein change: p.Ser1226=; no amino-acid change (serine 1226 retained).
Molecular consequence: synonymous variant.
Genome position (GRCh38, 1-based): chr17:17,796,626, G>A. VCF-style: chr17-17796626-G-A. GRCh37 (hg19) VCF-style: chr17-17699940-G-A.
Identifiers: ClinVar variation 287989 (VCV000287989.33), dbSNP rs144290584, ClinGen allele CA8418778.

ClinVar aggregate classification (germline): Conflicting classifications of pathogenicity. Review status: criteria provided, conflicting classifications (1 of 4 stars). 7 submissions from 7 submitters: Uncertain significance (1); Likely benign (5). 1 of the submissions does not count toward it. Last evaluated 2025-12-19.

Conditions:
RAI1-related disorder. Also called: RAI1-related condition.
Inborn genetic diseases. Identifiers: MedGen C0950123, MeSH D030342.

Allele frequency attached by ClinVar (database versions not stated): gnomAD 0.00011 and 0.00012; gnomAD exomes 0.00015 and 0.00005; ESP Exome Variant Server 0.00031; ExAC 0.00008; TOPMed 0.00009.
gnomAD v4.1: 238 of 1,611,954 alleles (0.015%); highest among the groups gnomAD compares: Non-Finnish European, 0.018%; no homozygotes.

Submissions (7):

Labcorp Genetics (formerly Invitae), Labcorp
Classification: Likely benign. Last evaluated: 2025-12-19. Review status: criteria provided, single submitter. Criteria: Invitae Variant Classification Sherloc (09022015). Collection method: clinical testing. Allele origin: germline.

CeGaT Center for Human Genetics Tuebingen
Classification: Likely benign. Last evaluated: 2025-01-01. Review status: criteria provided, single submitter. Criteria: CeGaT Center For Human Genetics Tuebingen Variant Classification Criteria Version 2. Collection method: clinical testing. Allele origin: germline. Affected: yes. Observed: 1 variant allele.
Comment: RAI1: BP4, BP7

Blueprint Genetics
Classification: Likely benign. Last evaluated: 2024-08-28. Review status: criteria provided, single submitter. Criteria: ACMG Guidelines, 2015. Collection method: clinical testing. Allele origin: germline.

GeneDx
Classification: Likely benign. Last evaluated: 2021-03-10. Review status: criteria provided, single submitter. Criteria: GeneDx Variant Classification Process June 2021. Collection method: clinical testing. Allele origin: germline. Affected: yes.

Ambry Genetics
Classification: Likely benign for Inborn genetic diseases. Last evaluated: 2018-07-10. Review status: criteria provided, single submitter. Criteria: Ambry Variant Classification Scheme 2023. Collection method: clinical testing. Allele origin: germline.

Eurofins Ntd Llc (ga)
Classification: Uncertain significance. Last evaluated: 2016-06-17. Review status: criteria provided, single submitter. Criteria: EGL Classification Definitions 2015. Collection method: clinical testing. Allele origin: germline. Observed: 1 variant allele, 1 heterozygote.

PreventionGenetics, part of Exact Sciences
Classification: Likely benign for RAI1-related condition. Last evaluated: 2019-09-14. Review status: no assertion criteria provided. Collection method: clinical testing. Allele origin: germline. Not counted in ClinVar's aggregate classification.
Comment: This variant is classified as likely benign based on ACMG/AMP sequence variant interpretation guidelines (Richards et al. 2015 PMID: 25741868, with internal and published modifications).